The following continues an entry in ClinVar:

NM_007294.4(BRCA1):c.4520G>C (p.Arg1507Thr)

Gene: BRCA1. ClinVar aggregate classification (germline): Benign. Benign (1).

Submissions 6 to 14 of 14:

Color Diagnostics, LLC DBA Color Health
Classification: Uncertain significance for Hereditary cancer-predisposing syndrome. Last evaluated: 2024-04-29. Review status: criteria provided, single submitter. Criteria: ACMG Guidelines, 2015. Collection method: clinical testing. Allele origin: germline. Not counted in ClinVar's aggregate classification.
Comment: This missense variant replaces arginine with threonine at codon 1507 of the BRCA1 protein. Computational prediction is inconclusive regarding the impact of this variant on protein structure and function. Functional studies have reported that this variant does not impact BRCA1 function in a transcription activation assay and a murine homology-mediated repair assay (PMID: 28781187, 32546644). This variant has been reported in individuals and families affected with breast and/or ovarian cancer and in unaffected individuals (PMID: 16267036, 33471991; Leiden Open Variation Database DB-ID BRCA1_001353; Color internal data) and prostate cancer (PMID: 29368341; Color internal data). A multifactorial analysis has reported likelihood ratios for pathogenicity of 0.21, 1.1391 and 0.0906 based on tumor pathology, co-occurrence and family history, respectively (PMID: 31131967). This variant has been identified in 7/251338 chromosomes in the general population by the Genome Aggregation Database (gnomAD). Although the available evidence indicates that this variant may not be associated with disease, additional studies are necessary to determine the role of this variant in disease conclusively. Therefore, this variant is classified as a Variant of Uncertain Significance.

Quest Diagnostics Nichols Institute San Juan Capistrano
Classification: Likely benign. Last evaluated: 2021-05-21. Review status: criteria provided, single submitter. Criteria: Quest Diagnostics criteria. Collection method: clinical testing. Allele origin: unknown. Not counted in ClinVar's aggregate classification.

Ambry Genetics
Classification: Likely benign for Hereditary cancer-predisposing syndrome. Last evaluated: 2020-12-20. Review status: criteria provided, single submitter. Criteria: Ambry Variant Classification Scheme 2023. Collection method: clinical testing. Allele origin: germline. Not counted in ClinVar's aggregate classification.

CHEO Genetics Diagnostic Laboratory, Children's Hospital of Eastern Ontario
Classification: Uncertain significance for Breast and/or ovarian cancer. Last evaluated: 2020-11-11. Review status: criteria provided, single submitter. Criteria: ACMG Guidelines, 2015. Collection method: clinical testing. Allele origin: germline. Not counted in ClinVar's aggregate classification.

GeneDx
Classification: Uncertain significance. Last evaluated: 2016-11-01. Review status: criteria provided, single submitter. Criteria: GeneDx Variant Classification (06012015). Collection method: clinical testing. Allele origin: germline. Affected: yes. Not counted in ClinVar's aggregate classification.
Comment: This variant is denoted BRCA1 c.4520G>C at the cDNA level, p.Arg1507Thr (R1507T) at the protein level, and results in the change of an Arginine to a Threonine (AGG>ACG). Using alternate nomenclature, this variant would be defined as BRCA1 4639G>C. This variant was observed in 1/572 individuals with atherosclerosis, with no specific information about cancer history (Johnston 2012). BRCA1 Arg1507Thr was not observed in approximately 6,500 individuals of European and African American ancestry in the NHLBI Exome Sequencing Project, suggesting it is not a common benign variant in these populations. Since Arginine and Threonine differ in some properties, this is considered a semi-conservative amino acid substitution. BRCA1 Arg1507Thr occurs at a position that is not conserved and is located in a region known for interaction with multiple proteins (Narod 2004, Clark 2012). In silico analyses are inconsistent regarding the effect this variant may have on protein structure and function. Based on currently available evidence, it is unclear whether BRCA1 Arg1507Thr is a pathogenic or benign variant. We consider it to be a variant of uncertain significance.

KCCC/NGS Laboratory, Kuwait Cancer Control Center
Classification: Uncertain significance for Breast-ovarian cancer, familial, susceptibility to, 1. Last evaluated: 2023-05-05. Review status: no assertion criteria provided. Collection method: clinical testing. Allele origin: germline. Affected: yes. Not counted in ClinVar's aggregate classification.
Comment: a point mutation in the BRCA1 gene (c.4583G>C) which results in the substitution of threonine for arginine at position 1528. This mutation is considered as a variant of unknown significance. Further genetic testing might be considered.

BRCAlab, Lund University
Classification: Benign for Breast-ovarian cancer, familial, susceptibility to, 1. Last evaluated: 2020-03-02. Review status: no assertion criteria provided. Collection method: clinical testing. Allele origin: germline. Affected: yes. Not counted in ClinVar's aggregate classification.

Biesecker Lab/Clinical Genomics Section, National Institutes of Health
Classification: Uncertain significance. Last evaluated: 2012-07-13. Review status: no assertion criteria provided. Collection method: research. Allele origin: germline. Affected: no. Observed: 1 variant allele. Study: ClinSeq. Not counted in ClinVar's aggregate classification.
ClinVar note: Converted during submission from variant of unknown significance to Uncertain significance.

Breast Cancer Information Core (BIC) (BRCA1)
Classification: Uncertain significance for Breast-ovarian cancer, familial 1. Last evaluated: 2002-05-29. Review status: no assertion criteria provided. Collection method: clinical testing. Allele origin: germline. Affected: yes. Observed: 2 variant alleles. Not counted in ClinVar's aggregate classification.

Literature cited by the submitters: PubMed 31131967 (cited by 4 submitters); PubMed 16267036 (cited by 4 submitters); PubMed 23704879 (cited by 3 submitters); PubMed 29368341 (cited by 4 submitters); PubMed 28781887 (cited by 3 submitters); PubMed 30765603 (cited by Women's Health and Genetics/Laboratory Corporation of America, LabCorp and Quest Diagnostics Nichols Institute San Juan Capistrano); PubMed 31112341 (cited by Women's Health and Genetics/Laboratory Corporation of America, LabCorp and Quest Diagnostics Nichols Institute San Juan Capistrano); PubMed 34326862 (cited by Women's Health and Genetics/Laboratory Corporation of America, LabCorp); PubMed 28781187 (cited by All of Us Research Program, National Institutes of Health and Color Diagnostics, LLC DBA Color Health); PubMed 32546644 (cited by 4 submitters); PubMed 33471991 (cited by All of Us Research Program, National Institutes of Health and Color Diagnostics, LLC DBA Color Health); PubMed 15385441 (cited by Quest Diagnostics Nichols Institute San Juan Capistrano and Ambry Genetics); PubMed 25348012 (cited by Ambry Genetics); PubMed 20104584 (cited by KCCC/NGS Laboratory, Kuwait Cancer Control Center).